The following is an entry in ClinVar:

NM_000070.3(CAPN3):c.1227A>C (p.Thr409=)

Gene: CAPN3 (calpain 3; plus strand). Cytogenetic location: 15q15.1.
Variant type: single nucleotide variant.
Coding change: c.1227A>C on transcript NM_000070.3 (MANE Select); coding-DNA position 1227, A replaced by C.
Protein change: p.Thr409=; no amino-acid change (threonine 409 retained).
Molecular consequence: synonymous variant.
Genome position (GRCh38, 1-based): chr15:42,399,525, A>C. VCF-style: chr15-42399525-A-C. GRCh37 (hg19) VCF-style: chr15-42691723-A-C.
Other names: c.1227A>C, p.Thr409= (NM_024344.2); c.1083A>C, p.Thr361= (NM_173087.2).
Identifiers: ClinVar variation 536522 (VCV000536522.18), dbSNP rs111806046, ClinGen allele CA7511295.

ClinVar aggregate classification (germline): Conflicting classifications of pathogenicity. Review status: criteria provided, conflicting classifications (1 of 4 stars). 5 submissions from 5 submitters: Uncertain significance (1); Likely benign (4). Last evaluated 2025-12-14.

Conditions:
CAPN3-related disorder. Also called: CAPN3-related condition; CAPN3-related disorders. Identifiers: MedGen CN239245.
Autosomal recessive limb-girdle muscular dystrophy type 2A (LGMDR1). Also called: Muscular dystrophy, limb-girdle, type 2A, Amish; Limb-girdle muscular dystrophy, type 2A; Calpainopathy; LEYDEN-MOEBIUS MUSCULAR DYSTROPHY; MUSCULAR DYSTROPHY, PELVOFEMORAL. Identifiers: Orphanet 267, MedGen C1869123, MONDO:0009675, OMIM 253600. Disease mechanism: loss of function.

Allele frequency attached by ClinVar (database versions not stated): TOPMed 0.00012; 1000 Genomes Project 30x 0.00016; 1000 Genomes Project 0.00020.
gnomAD v4.1: 40 of 1,613,894 alleles (0.0025%); highest among the groups gnomAD compares: African/African-American, 0.039%; no homozygotes.

Submissions (5):

Labcorp Genetics (formerly Invitae), Labcorp
Classification: Likely benign for Autosomal recessive limb-girdle muscular dystrophy type 2A. Last evaluated: 2025-12-14. Review status: criteria provided, single submitter. Criteria: Invitae Variant Classification Sherloc (09022015). Collection method: clinical testing. Allele origin: germline.

PreventionGenetics, part of Exact Sciences
Classification: Likely benign for CAPN3-related condition. Last evaluated: 2025-04-04. Review status: criteria provided, single submitter. Criteria: ACMG Guidelines, 2015. Collection method: clinical testing. Allele origin: germline.
Comment: This variant is classified as likely benign based on ACMG/AMP sequence variant interpretation guidelines (Richards et al. 2015 PMID: 25741868, with internal and published modifications).

Women's Health and Genetics/Laboratory Corporation of America, LabCorp
Classification: Likely benign. Last evaluated: 2024-11-11. Review status: criteria provided, single submitter. Criteria: LabCorp Variant Classification Summary - May 2015. Collection method: clinical testing. Allele origin: germline.

Blueprint Genetics
Classification: Likely benign. Last evaluated: 2024-07-23. Review status: criteria provided, single submitter. Criteria: ACMG Guidelines, 2015. Collection method: clinical testing. Allele origin: germline.

Eurofins Ntd Llc (ga)
Classification: Uncertain significance. Last evaluated: 2018-04-23. Review status: criteria provided, single submitter. Criteria: EGL ClinVar v180209 classification definitions. Collection method: clinical testing. Allele origin: germline. Observed: 1 variant allele, 1 heterozygote.